The following is an entry in ClinVar:

NM_001684.5(ATP2B4):c.3309+5770C>T

Gene: ATP2B4 (ATPase plasma membrane Ca2+ transporting 4; plus strand). Cytogenetic location: 1q32.1.
Variant type: single nucleotide variant.
Coding change: c.3309+5770C>T on transcript NM_001684.5 (MANE Select); 5770 bases into the intron after coding-DNA position 3309, C replaced by T.
Molecular consequence: intron variant. On other transcripts: missense variant (3).
Genome position (GRCh38, 1-based): chr1:203,733,341, C>T. VCF-style: chr1-203733341-C-T. GRCh37 (hg19) VCF-style: chr1-203702469-C-T.
Other names: c.3428C>T, p.Ala1143Val (NM_001365783.2, NM_001365784.2, NM_001001396.3); short protein forms A1143V.
Identifiers: ClinVar variation 3693790 (VCV003693790.2).

ClinVar aggregate classification (germline): Uncertain significance (1 of 4 stars; one submission).

gnomAD v4.1: 13 of 1,614,158 alleles (0.00081%); highest among the groups gnomAD compares: Admixed American, 0.012%; no homozygotes.

Submission:

Labcorp Genetics (formerly Invitae), Labcorp
Classification: Uncertain significance. Last evaluated: 2024-09-30. Review status: criteria provided, single submitter. Criteria: Invitae Variant Classification Sherloc (09022015). Collection method: clinical testing. Allele origin: germline.
Comment: This sequence change replaces alanine, which is neutral and non-polar, with valine, which is neutral and non-polar, at codon 1143 of the ATP2B4 protein (p.Ala1143Val). This variant is present in population databases (rs771479792, gnomAD 0.02%). This variant has not been reported in the literature in individuals affected with ATP2B4-related conditions. An algorithm developed to predict the effect of missense changes on protein structure and function (PolyPhen-2) suggests that this variant is likely to be disruptive. In summary, the available evidence is currently insufficient to determine the role of this variant in disease. Therefore, it has been classified as a Variant of Uncertain Significance.